The following is an entry in ClinVar:

NM_133433.4(NIPBL):c.3743_3744del (p.Ile1248fs)

Gene: NIPBL (NIPBL cohesin loading factor; plus strand). Cytogenetic location: 5p13.2.
Variant type: Deletion.
Coding change: c.3743_3744del on transcript NM_133433.4 (MANE Select); coding-DNA positions 3743 to 3744, 2 bases deleted (TA; older notation c.3743_3744delTA).
Protein change: p.Ile1248fs; shifts the reading frame from isoleucine 1248.
Molecular consequence: frameshift variant.
Genome position (GRCh38, 1-based): chr5:37,002,740-37,002,741, TA deleted; deleting any 2 consecutive bases within chr5:37,002,739-37,002,741 gives the same sequence; the c. name uses the placement nearest the transcript's 3' end. VCF-style (leftmost placement, unchanged base first): chr5-37002738-AAT-A. GRCh37 (hg19) VCF-style: chr5-37002840-AAT-A.
Other names: c.3743_3744del, p.Ile1248fs (NM_015384.5); short protein forms I1248fs.
Identifiers: ClinVar variation 3725471 (VCV003725471.2).

ClinVar aggregate classification (germline): Pathogenic (1 of 4 stars; one submission).

Conditions:
Cornelia de Lange syndrome 1 (CDLS1). Also called: Brachmann de Lange syndrome; NIPBL-Related Cornelia de Lange Syndrome; TYPUS DEGENERATIVUS AMSTELODAMENSIS. Identifiers: Orphanet 199, MedGen C4551851, MONDO:0007387, OMIM 122470.

Submission:

Labcorp Genetics (formerly Invitae), Labcorp
Classification: Pathogenic for Cornelia de Lange syndrome 1. Last evaluated: 2024-11-18. Review status: criteria provided, single submitter. Criteria: Invitae Variant Classification Sherloc (09022015). Collection method: clinical testing. Allele origin: germline.
Comment: This sequence change creates a premature translational stop signal (p.Ile1248Lysfs*8) in the NIPBL gene. It is expected to result in an absent or disrupted protein product. Loss-of-function variants in NIPBL are known to be pathogenic (PMID: 15318302, 19763162, 23505322, 29995837). This variant is not present in population databases (gnomAD no frequency). This variant has not been reported in the literature in individuals affected with NIPBL-related conditions. For these reasons, this variant has been classified as Pathogenic.

Literature cited by the submitters: PubMed 15318302; PubMed 19763162; PubMed 23505322; PubMed 29995837.